The following is an entry in ClinVar:

NM_001367868.2(PLIN4):c.1740G>A (p.Lys580=)

Gene: PLIN4 (perilipin 4; minus strand). Cytogenetic location: 19p13.3.
Variant type: single nucleotide variant.
Coding change: c.1740G>A on transcript NM_001367868.2 (MANE Select); coding-DNA position 1740, G replaced by A.
Protein change: p.Lys580=; no amino-acid change (lysine 580 retained).
Molecular consequence: synonymous variant.
Genome position (GRCh38, 1-based): chr19:4,512,220, C>T on the plus strand (G>A on the coding strand, the complement: PLIN4 is on the minus strand). VCF-style: chr19-4512220-C-T. GRCh37 (hg19) VCF-style: chr19-4512232-C-T.
Other names: c.1743G>A, p.Lys581= (NM_001393888.1, NM_001393889.1); c.1740G>A, p.Lys580= (NM_001393890.1, NM_001393891.1).
Identifiers: ClinVar variation 2649048 (VCV002649048.24), dbSNP rs112336185, ClinGen allele CA9100542.

ClinVar aggregate classification (germline): Likely benign (1 of 4 stars; one submission).

Allele frequency attached by ClinVar (database versions not stated): gnomAD 0.00080; 1000 Genomes Project 30x 0.00125; 1000 Genomes Project 0.00140; ExAC 0.00604.
gnomAD v4.1: 1,228 of 1,610,130 alleles (0.076%); highest among the groups gnomAD compares: Middle Eastern, 0.099%; 9 homozygotes.

Submission:

CeGaT Center for Human Genetics Tuebingen
Classification: Likely benign. Last evaluated: 2022-04-01. Review status: criteria provided, single submitter. Criteria: CeGaT Center For Human Genetics Tuebingen Variant Classification Criteria Version 2. Collection method: clinical testing. Allele origin: germline. Affected: yes. Observed: 1 variant allele.
Comment: PLIN4: BP4, BP7